The following is an entry in ClinVar:

ClinVar aggregate classification (germline): Benign. Review status: criteria provided, multiple submitters, no conflicts (2 of 4 stars). 2 submissions from 2 submitters: Benign (2). Last evaluated 2018-06-20.

Allele frequency attached by ClinVar (database versions not stated): 1000 Genomes Project 0.06569; 1000 Genomes Project 30x 0.06839; TOPMed 0.10529; gnomAD 0.11033 and 0.11538; gnomAD exomes 0.11531.
gnomAD v4.1: 173,422 of 1,513,074 alleles (11%); highest among the groups gnomAD compares: Non-Finnish European, 13%; 11,069 homozygotes.

Submissions (2):

GeneDx
Classification: Benign. Last evaluated: 2018-06-20. Review status: criteria provided, single submitter. Criteria: GeneDx Variant Classification (06012015). Collection method: clinical testing. Allele origin: germline. Affected: yes.
Comment: This variant is considered likely benign or benign based on one or more of the following criteria: it is a conservative change, it occurs at a poorly conserved position in the protein, it is predicted to be benign by multiple in silico algorithms, and/or has population frequency not consistent with disease.

Breakthrough Genomics
Classification: Benign. Review status: criteria provided, single submitter. Criteria: ACMG Guidelines, 2015. Collection method: not provided. Allele origin: germline. Inheritance: Unknown mechanism. Affected: yes.

NM_004304.5(ALK):c.3359+80T>C

Gene: ALK (ALK receptor tyrosine kinase; minus strand). Cytogenetic location: 2p23.2.
Variant type: single nucleotide variant.
Coding change: c.3359+80T>C on transcript NM_004304.5 (MANE Select); 80 bases into the intron after coding-DNA position 3359, T replaced by C.
Molecular consequence: intron variant.
Genome position (GRCh38, 1-based): chr2:29,223,262, A>G on the plus strand (T>C on the coding strand, the complement: ALK is on the minus strand). VCF-style: chr2-29223262-A-G. GRCh37 (hg19) VCF-style: chr2-29446128-A-G.
Other names: c.155+80T>C (NM_001353765.2).
Identifiers: ClinVar variation 677559 (VCV000677559.2), dbSNP rs12989497, ClinGen allele CA11181938.